The following is an entry in ClinVar:

NM_001080442.3(SLC38A8):c.189+1G>A

Gene: SLC38A8 (solute carrier family 38 member 8; minus strand). Cytogenetic location: 16q23.3.
Variant type: single nucleotide variant.
Coding change: c.189+1G>A on transcript NM_001080442.3 (MANE Select); the canonical splice donor site of the intron after coding-DNA position 189, G replaced by A.
Molecular consequence: splice donor variant.
Genome position (GRCh38, 1-based): chr16:84,041,968, C>T on the plus strand (G>A on the coding strand, the complement: SLC38A8 is on the minus strand). VCF-style: chr16-84041968-C-T. GRCh37 (hg19) VCF-style: chr16-84075573-C-T.
Identifiers: ClinVar variation 2896096 (VCV002896096.3), dbSNP rs1325791118, ClinGen allele CA396943982.

ClinVar aggregate classification (germline): Likely pathogenic (1 of 4 stars; one submission).

Allele frequency attached by ClinVar (database versions not stated): TOPMed below 0.00001; gnomAD 0.00001.
gnomAD v4.1: 4 of 1,584,186 alleles (0.00025%); highest among the groups gnomAD compares: Admixed American, 0.0071%; no homozygotes.

Submission:

Labcorp Genetics (formerly Invitae), Labcorp
Classification: Likely pathogenic. Last evaluated: 2024-09-04. Review status: criteria provided, single submitter. Criteria: Invitae Variant Classification Sherloc (09022015). Collection method: clinical testing. Allele origin: germline.
Comment: This sequence change affects a donor splice site in intron 1 of the SLC38A8 gene. It is expected to disrupt RNA splicing. Variants that disrupt the donor or acceptor splice site typically lead to a loss of protein function (PMID: 16199547), and loss-of-function variants in SLC38A8 are known to be pathogenic (PMID: 24290379). The frequency data for this variant in the population databases is considered unreliable, as metrics indicate poor data quality at this position in the gnomAD database. This variant has not been reported in the literature in individuals affected with SLC38A8-related conditions. Algorithms developed to predict the effect of sequence changes on RNA splicing suggest that this variant may disrupt the consensus splice site. In summary, the currently available evidence indicates that the variant is pathogenic, but additional data are needed to prove that conclusively. Therefore, this variant has been classified as Likely Pathogenic.

Literature cited by the submitters: PubMed 16199547; PubMed 24290379.